The following is an entry in ClinVar:

NC_000003.11:g.(?_182754986)_(182770048_?)del

Gene: MCCC1 (methylcrotonyl-CoA carboxylase subunit 1; minus strand). Cytogenetic location: 3q27.1.
Variant type: Deletion.
Identifiers: ClinVar variation 2426523 (VCV002426523.4).

ClinVar aggregate classification (germline): Pathogenic (1 of 4 stars; one submission).

Conditions:
3-methylcrotonyl-CoA carboxylase 1 deficiency (MCC1D). Also called: MCCD TYPE 1; METHYLCROTONYLGLYCINURIA TYPE I; MCC 1 deficiency; 3 Alpha methylcrotonylglycinuria 1. Identifiers: Orphanet 6, MedGen CN028786, MONDO:0008861, OMIM 210200.

Submission:

Labcorp Genetics (formerly Invitae), Labcorp
Classification: Pathogenic for 3-methylcrotonyl-CoA carboxylase 1 deficiency. Last evaluated: 2022-09-28. Review status: criteria provided, single submitter. Criteria: Invitae Variant Classification Sherloc (09022015). Collection method: clinical testing. Allele origin: germline.
Comment: For these reasons, this variant has been classified as Pathogenic. This variant has not been reported in the literature in individuals affected with MCCC1-related conditions. This variant is a gross deletion of the genomic region encompassing exon(s) 9-13 of the MCCC1 gene. This deletion is out-of-frame, and is expected to create a premature termination codon and result in an absent or disrupted protein product. Loss-of-function variants in MCCC1 are known to be pathogenic (PMID: 11181649, 15359379, 22642865).

Literature cited by the submitters: PubMed 11181649; PubMed 15359379; PubMed 22642865.